The following is an entry in ClinVar:

NM_004385.5(VCAN):c.5527G>A (p.Asp1843Asn)

Genes: VCAN (versican; plus strand), VCAN-AS1 (VCAN antisense RNA 1; minus strand). Cytogenetic location: 5q14.3.
Variant type: single nucleotide variant.
Coding change: c.5527G>A on transcript NM_004385.5 (MANE Select); coding-DNA position 5527, G replaced by A.
Protein change: p.Asp1843Asn; replaces aspartic acid 1843 with asparagine.
Molecular consequence: missense variant. On other transcripts: intron variant (2).
Genome position (GRCh38, 1-based): chr5:83,538,530, G>A. VCF-style: chr5-83538530-G-A. GRCh37 (hg19) VCF-style: chr5-82834349-G-A.
Other names: c.5527G>A (NM_004385.4); c.2566G>A, p.Asp856Asn (NM_001164097.2); c.4004-7007G>A (NM_001164098.2); c.1043-7007G>A (NM_001126336.3); short protein forms D856N, D1843N.
Identifiers: ClinVar variation 1361990 (VCV001361990.9), dbSNP rs140580494, ClinGen allele CA3333340.

ClinVar aggregate classification (germline): Conflicting classifications of pathogenicity. Review status: criteria provided, conflicting classifications (1 of 4 stars). 3 submissions from 3 submitters: Uncertain significance (2); Likely benign (1). Last evaluated 2025-12-22.

Conditions:
Inborn genetic diseases. Identifiers: MedGen C0950123, MeSH D030342.

Allele frequency attached by ClinVar (database versions not stated): gnomAD exomes 0.00005; ExAC 0.00006; gnomAD 0.00009 and 0.00011; TOPMed 0.00012; ESP Exome Variant Server 0.00015.
gnomAD v4.1: 135 of 1,613,902 alleles (0.0084%); highest among the groups gnomAD compares: African/African-American, 0.028%; no homozygotes.

Submissions (3):

Labcorp Genetics (formerly Invitae), Labcorp
Classification: Uncertain significance. Last evaluated: 2025-12-22. Review status: criteria provided, single submitter. Criteria: Invitae Variant Classification Sherloc (09022015). Collection method: clinical testing. Allele origin: germline.
Comment: This sequence change replaces aspartic acid, which is acidic and polar, with asparagine, which is neutral and polar, at codon 1843 of the VCAN protein (p.Asp1843Asn). This variant is present in population databases (rs140580494, gnomAD 0.03%). This variant has not been reported in the literature in individuals affected with VCAN-related conditions. ClinVar contains an entry for this variant (Variation ID: 1361990). An algorithm developed to predict the effect of missense changes on protein structure and function (PolyPhen-2) suggests that this variant is likely to be tolerated. In summary, the available evidence is currently insufficient to determine the role of this variant in disease. Therefore, it has been classified as a Variant of Uncertain Significance.

Ambry Genetics
Classification: Uncertain significance for Inborn genetic diseases. Last evaluated: 2025-07-13. Review status: criteria provided, single submitter. Criteria: Ambry Variant Classification Scheme 2023. Collection method: clinical testing. Allele origin: germline.

Blueprint Genetics
Classification: Likely benign. Last evaluated: 2024-07-01. Review status: criteria provided, single submitter. Criteria: ACMG Guidelines, 2015. Collection method: clinical testing. Allele origin: germline.